The following is an entry in ClinVar:

ClinVar aggregate classification (germline): Uncertain significance (1 of 4 stars; one submission).

Submission:

Labcorp Genetics (formerly Invitae), Labcorp
Classification: Uncertain significance. Last evaluated: 2022-12-02. Review status: criteria provided, single submitter. Criteria: Invitae Variant Classification Sherloc (09022015). Collection method: clinical testing. Allele origin: germline.
Comment: This sequence change replaces leucine, which is neutral and non-polar, with phenylalanine, which is neutral and non-polar, at codon 296 of the PMPCB protein (p.Leu296Phe). This variant is not present in population databases (gnomAD no frequency). This variant has not been reported in the literature in individuals affected with PMPCB-related conditions. Advanced modeling of protein sequence and biophysical properties (such as structural, functional, and spatial information, amino acid conservation, physicochemical variation, residue mobility, and thermodynamic stability) performed at Invitae indicates that this missense variant is not expected to disrupt PMPCB protein function. In summary, the available evidence is currently insufficient to determine the role of this variant in disease. Therefore, it has been classified as a Variant of Uncertain Significance.

NM_004279.3(PMPCB):c.886C>T (p.Leu296Phe)

Gene: PMPCB (peptidase, mitochondrial processing subunit beta; plus strand). Cytogenetic location: 7q22.1.
Variant type: single nucleotide variant.
Coding change: c.886C>T on transcript NM_004279.3 (MANE Select); coding-DNA position 886, C replaced by T.
Protein change: p.Leu296Phe; replaces leucine 296 with phenylalanine.
Molecular consequence: missense variant.
Genome position (GRCh38, 1-based): chr7:103,308,988, C>T. VCF-style: chr7-103308988-C-T. GRCh37 (hg19) VCF-style: chr7-102949435-C-T.
Other names: short protein forms L296F.
Identifiers: ClinVar variation 2121369 (VCV002121369.4), dbSNP rs2484891766, ClinGen allele CA368735797.
Genomic context (GRCh38, chr7:103,308,988, plus strand): 5'-GTCCTCCTGCTTTATCTTAACTAGATTCGTGTGAGGGATGACAAGATGCCTTTGGCGCAC[C>T]TTGCAATAGCTGTTGAAGCTGTTGGTTGGGCACATCCAGATACAATCTGTCTCATGGTTG-3'
Protein context (NP_004270.2, residues 286-306): VRDDKMPLAH[Leu296Phe]AIAVEAVGWA